The following is an entry in ClinVar:

ClinVar aggregate classification (germline): Uncertain significance (1 of 4 stars; one submission).

Conditions:
Early-infantile DEE. Also called: Ohtahara syndrome; Early infantile epileptic encephalopathy with suppression bursts; Early infantile epileptic encephalopathy. Identifiers: Orphanet 1934, MedGen C0393706, MONDO:0800491.

Allele frequency attached by ClinVar (database versions not stated): gnomAD exomes below 0.00001.
gnomAD v4.1: 4 of 1,608,824 alleles (0.00025%); highest among the groups gnomAD compares: South Asian, 0.0011%; no homozygotes.

Submission:

Labcorp Genetics (formerly Invitae), Labcorp
Classification: Uncertain significance for Early-infantile DEE. Last evaluated: 2024-03-16. Review status: criteria provided, single submitter. Criteria: Invitae Variant Classification Sherloc (09022015). Collection method: clinical testing. Allele origin: germline.
Comment: This sequence change replaces glutamine, which is neutral and polar, with histidine, which is basic and polar, at codon 461 of the KCNQ2 protein (p.Gln461His). This variant is present in population databases (no rsID available, gnomAD 0.003%). This variant has not been reported in the literature in individuals affected with KCNQ2-related conditions. ClinVar contains an entry for this variant (Variation ID: 842741). An algorithm developed to predict the effect of missense changes on protein structure and function (PolyPhen-2) suggests that this variant is likely to be disruptive. In summary, the available evidence is currently insufficient to determine the role of this variant in disease. Therefore, it has been classified as a Variant of Uncertain Significance.

NM_172107.4(KCNQ2):c.1383G>T (p.Gln461His)

Gene: KCNQ2 (potassium voltage-gated channel subfamily Q member 2; minus strand). Cytogenetic location: 20q13.33.
Variant type: single nucleotide variant.
Coding change: c.1383G>T on transcript NM_172107.4 (MANE Select); coding-DNA position 1383, G replaced by T.
Protein change: p.Gln461His; replaces glutamine 461 with histidine.
Molecular consequence: missense variant.
Genome position (GRCh38, 1-based): chr20:63,415,045, C>A on the plus strand (G>T on the coding strand, the complement: KCNQ2 is on the minus strand). VCF-style: chr20-63415045-C-A. GRCh37 (hg19) VCF-style: chr20-62046398-C-A.
Other names: c.1299G>T, p.Gln433His (NM_004518.6); c.1329G>T, p.Gln443His (NM_172106.3); c.1293G>T, p.Gln431His (NM_172108.5); short protein forms Q443H, Q461H, Q433H, Q431H.
Identifiers: ClinVar variation 842741 (VCV000842741.11), dbSNP rs1349137821, ClinGen allele CA409646702.